The following is an entry in ClinVar:

ClinVar aggregate classification (germline): Uncertain significance (1 of 4 stars; one submission).

Submission:

CeGaT Center for Human Genetics Tuebingen
Classification: Uncertain significance. Last evaluated: 2024-10-01. Review status: criteria provided, single submitter. Criteria: CeGaT Center For Human Genetics Tuebingen Variant Classification Criteria Version 2. Collection method: clinical testing. Allele origin: germline. Affected: yes. Observed: 1 variant allele.
Comment: TET3: PM2

NM_001287491.2(TET3):c.254A>T (p.Lys85Ile)

Gene: TET3 (tet methylcytosine dioxygenase 3; plus strand). Cytogenetic location: 2p13.1.
Variant type: single nucleotide variant.
Coding change: c.254A>T on transcript NM_001287491.2 (MANE Select); coding-DNA position 254, A replaced by T.
Protein change: p.Lys85Ile; replaces lysine 85 with isoleucine.
Molecular consequence: missense variant.
Genome position (GRCh38, 1-based): chr2:73,986,657, A>T. VCF-style: chr2-73986657-A-T. GRCh37 (hg19) VCF-style: chr2-74213784-A-T.
Other names: short protein forms K85I.
Identifiers: ClinVar variation 3389805 (VCV003389805.14).